The following is an entry in ClinVar:

ClinVar aggregate classification (germline): Benign/Likely benign. Review status: criteria provided, multiple submitters, no conflicts (2 of 4 stars). 4 submissions from 4 submitters: Benign (2); Likely benign (1). 1 of the submissions does not count toward it. Last evaluated 2024-11-27.

Conditions:
Klippel-Feil syndrome 3, autosomal dominant (KFS3). Identifiers: Orphanet 2345, MedGen C3150967, MONDO:0013375, OMIM 613702.
GDF3-related disorder. Also called: GDF3-related condition.

Allele frequency attached by ClinVar (database versions not stated): TOPMed 0.00049; ESP Exome Variant Server 0.00054; 1000 Genomes Project 30x 0.00109; 1000 Genomes Project 0.00140.
gnomAD v4.1: 2,347 of 1,614,086 alleles (0.15%); highest among the groups gnomAD compares: Non-Finnish European, 0.09%; 9 homozygotes.

Submissions (4):

Blueprint Genetics
Classification: Likely benign. Last evaluated: 2024-11-27. Review status: criteria provided, single submitter. Criteria: ACMG Guidelines, 2015. Collection method: clinical testing. Allele origin: germline.

Labcorp Genetics (formerly Invitae), Labcorp
Classification: Benign for Klippel-Feil syndrome 3, autosomal dominant. Last evaluated: 2024-06-28. Review status: criteria provided, single submitter. Criteria: Invitae Variant Classification Sherloc (09022015). Collection method: clinical testing. Allele origin: germline.

Breakthrough Genomics
Classification: Benign. Review status: criteria provided, single submitter. Criteria: ACMG Guidelines, 2015. Collection method: not provided. Allele origin: germline. Inheritance: Autosomal dominant inheritance. Affected: yes.

PreventionGenetics, part of Exact Sciences
Classification: Benign for GDF3-related condition. Last evaluated: 2019-03-01. Review status: no assertion criteria provided. Collection method: clinical testing. Allele origin: germline. Not counted in ClinVar's aggregate classification.
Comment: This variant is classified as benign based on ACMG/AMP sequence variant interpretation guidelines (Richards et al. 2015 PMID: 25741868, with internal and published modifications).

NM_020634.3(GDF3):c.579C>T (p.Asn193=)

Gene: GDF3 (growth differentiation factor 3; minus strand). Cytogenetic location: 12p13.31.
Variant type: single nucleotide variant.
Coding change: c.579C>T on transcript NM_020634.3 (MANE Select); coding-DNA position 579, C replaced by T.
Protein change: p.Asn193=; no amino-acid change (asparagine 193 retained).
Molecular consequence: synonymous variant.
Genome position (GRCh38, 1-based): chr12:7,690,394, G>A on the plus strand (C>T on the coding strand, the complement: GDF3 is on the minus strand). VCF-style: chr12-7690394-G-A. GRCh37 (hg19) VCF-style: chr12-7842990-G-A.
Other names: c.579C>T (NM_020634.2).
Identifiers: ClinVar variation 1562457 (VCV001562457.12), dbSNP rs144017935, ClinGen allele CA6429201.